The following is an entry in ClinVar:

NM_145167.3(PIGM):c.180C>T (p.Arg60=)

Gene: PIGM (phosphatidylinositol glycan anchor biosynthesis class M; minus strand). Cytogenetic location: 1q23.2.
Variant type: single nucleotide variant.
Coding change: c.180C>T on transcript NM_145167.3 (MANE Select); coding-DNA position 180, C replaced by T.
Protein change: p.Arg60=; no amino-acid change (arginine 60 retained).
Molecular consequence: synonymous variant.
Genome position (GRCh38, 1-based): chr1:160,031,560, G>A on the plus strand (C>T on the coding strand, the complement: PIGM is on the minus strand). VCF-style: chr1-160031560-G-A. GRCh37 (hg19) VCF-style: chr1-160001350-G-A.
Other names: p.Arg60=.
Identifiers: ClinVar variation 1167407 (VCV001167407.14), dbSNP rs41265753, ClinGen allele CA1193104.

ClinVar aggregate classification (germline): Benign/Likely benign. Review status: criteria provided, multiple submitters, no conflicts (2 of 4 stars). 4 submissions from 4 submitters: Benign (2); Likely benign (2). Last evaluated 2026-01-27.

Conditions:
Hypercoagulability syndrome due to glycosylphosphatidylinositol deficiency (GPIBD1). Also called: GLYCOSYLPHOSPHATIDYLINOSITOL BIOSYNTHESIS DEFECT 1. Identifiers: Orphanet 83639, MedGen C5201145, MONDO:0012465, OMIM 610293.

Allele frequency attached by ClinVar (database versions not stated): 1000 Genomes Project 30x 0.00531; 1000 Genomes Project 0.00559; TOPMed 0.01476; gnomAD 0.01591 and 0.01647; gnomAD exomes 0.01594 and 0.02275; ExAC 0.01641; ESP Exome Variant Server 0.01707.

Submissions (4):

Labcorp Genetics (formerly Invitae), Labcorp
Classification: Benign for Hypercoagulability syndrome due to glycosylphosphatidylinositol deficiency. Last evaluated: 2026-01-27. Review status: criteria provided, single submitter. Criteria: Invitae Variant Classification Sherloc (09022015). Collection method: clinical testing. Allele origin: germline.

Mayo Clinic Laboratories, Mayo Clinic
Classification: Benign. Last evaluated: 2023-06-01. Review status: criteria provided, single submitter. Criteria: ACMG Guidelines, 2015. Collection method: clinical testing. Allele origin: germline. Observed: 12 variant alleles.
Comment: BS1, BS2, BP4, BP7

GeneDx
Classification: Likely benign. Last evaluated: 2018-09-30. Review status: criteria provided, single submitter. Criteria: GeneDx Variant Classification Process June 2021. Collection method: clinical testing. Allele origin: germline. Affected: yes.

Breakthrough Genomics
Classification: Likely benign. Review status: criteria provided, single submitter. Criteria: ACMG Guidelines, 2015. Collection method: not provided. Allele origin: germline. Inheritance: Autosomal recessive inheritance. Affected: yes.